The following is an entry in ClinVar:

NM_000548.5(TSC2):c.4057G>T (p.Val1353Phe)

Gene: TSC2 (TSC complex subunit 2; plus strand). Cytogenetic location: 16p13.3.
Variant type: single nucleotide variant.
Coding change: c.4057G>T on transcript NM_000548.5 (MANE Select); coding-DNA position 4057, G replaced by T.
Protein change: p.Val1353Phe; replaces valine 1353 with phenylalanine.
Molecular consequence: missense variant.
Genome position (GRCh38, 1-based): chr16:2,084,279, G>T. VCF-style: chr16-2084279-G-T. GRCh37 (hg19) VCF-style: chr16-2134280-G-T.
Other names: c.3856G>T, p.Val1286Phe (NM_001077183.3); c.3988G>T, p.Val1330Phe (NM_001114382.3); c.3748G>T, p.Val1250Phe (NM_001318827.2); c.3712G>T, p.Val1238Phe (NM_001318829.2); c.3325G>T, p.Val1109Phe (NM_001318831.2); c.3889G>T, p.Val1297Phe (NM_001318832.2); c.3859G>T, p.Val1287Phe (NM_001363528.2); c.3925G>T, p.Val1309Phe (NM_001370404.1); and 1 more; short protein forms V1250F, V1287F, V1297F, V1309F, V1310F, V1353F, V1109F, V1238F.
Identifiers: ClinVar variation 645686 (VCV000645686.16), dbSNP rs373982157, ClinGen allele CA276753221.
Genomic context (GRCh38, chr16:2,084,279, plus strand): 5'-CCTTTCTAGTCGTCCTCAGTCTCCAGCCAGGAGGAGAAGTCGCTCCACGCGGAGGAGCTG[G>T]TTGGCAGGGGCATCCCCATCGAGCGAGTCGTCTCCTCGGAGGGTGGCCGGCCCTCTGTGG-3'
Protein context (NP_000539.2, residues 1343-1363): EEKSLHAEEL[Val1353Phe]GRGIPIERVV

ClinVar aggregate classification (germline): Uncertain significance. Review status: criteria provided, multiple submitters, no conflicts (2 of 4 stars). 4 submissions from 4 submitters: Uncertain significance (4). Last evaluated 2025-07-02.

Conditions:
Hereditary cancer-predisposing syndrome. Also called: Neoplastic Syndromes, Hereditary; Hereditary Cancer Syndrome; Hereditary neoplastic syndrome; Tumor predisposition. Identifiers: Orphanet 140162, MedGen C0027672, MeSH D009386, MONDO:0015356.
Tuberous sclerosis 2 (TSC2). Identifiers: Orphanet 805, MedGen C1860707, MONDO:0013199, OMIM 613254.
Tuberous sclerosis syndrome (TSC). Also called: Tuberous sclerosis; Tuberous Sclerosis Complex. Identifiers: Orphanet 805, MedGen C0041341, MONDO:0001734.

Allele frequency attached by ClinVar (database versions not stated): TOPMed 0.00001; ESP Exome Variant Server 0.00008.
gnomAD v4.1: 2 of 1,611,568 alleles (0.00012%); highest among the groups gnomAD compares: Non-Finnish European, 0.00017%; no homozygotes.

Submissions (4):

Labcorp Genetics (formerly Invitae), Labcorp
Classification: Uncertain significance for Tuberous sclerosis 2. Last evaluated: 2025-07-02. Review status: criteria provided, single submitter. Criteria: Invitae Variant Classification Sherloc (09022015). Collection method: clinical testing. Allele origin: germline.
Comment: This sequence change replaces valine, which is neutral and non-polar, with phenylalanine, which is neutral and non-polar, at codon 1353 of the TSC2 protein (p.Val1353Phe). This variant is not present in population databases (gnomAD no frequency). This variant has not been reported in the literature in individuals affected with TSC2-related conditions. ClinVar contains an entry for this variant (Variation ID: 645686). Invitae Evidence Modeling of protein sequence and biophysical properties (such as structural, functional, and spatial information, amino acid conservation, physicochemical variation, residue mobility, and thermodynamic stability) indicates that this missense variant is not expected to disrupt TSC2 protein function with a negative predictive value of 95%. In summary, the available evidence is currently insufficient to determine the role of this variant in disease. Therefore, it has been classified as a Variant of Uncertain Significance.

Ambry Genetics
Classification: Uncertain significance for Hereditary cancer-predisposing syndrome. Last evaluated: 2025-01-25. Review status: criteria provided, single submitter. Criteria: Ambry Variant Classification Scheme 2023. Collection method: clinical testing. Allele origin: germline.
Comment: The p.V1353F variant (also known as c.4057G>T), located in coding exon 33 of the TSC2 gene, results from a G to T substitution at nucleotide position 4057. The valine at codon 1353 is replaced by phenylalanine, an amino acid with highly similar properties. This amino acid position is not well conserved in available vertebrate species. In addition, the in silico prediction for this alteration is inconclusive. Based on the available evidence, the clinical significance of this variant remains unclear.

All of Us Research Program, National Institutes of Health
Classification: Uncertain significance for Tuberous sclerosis syndrome. Last evaluated: 2024-08-23. Review status: criteria provided, single submitter. Criteria: ACMG Guidelines, 2015. Collection method: clinical testing. Allele origin: germline. Inheritance: Autosomal dominant inheritance. Observed: 1 variant allele, 1 heterozygote.
Comment: This missense variant replaces valine with phenylalanine at codon 1353 of the TSC2 protein. Computational prediction is inconclusive regarding the impact of this variant on protein structure and function (internally defined REVEL score threshold 0.5 < inconclusive < 0.7, PMID: 27666373). To our knowledge, functional studies have not been reported for this variant. This variant has not been reported in individuals affected with TSC2-related disorders in the literature. This variant has not been identified in the general population by the Genome Aggregation Database (gnomAD). The available evidence is insufficient to determine the role of this variant in disease conclusively. Therefore, this variant is classified as a Variant of Uncertain Significance.

This study involves interpretation of variants in research participants for the purpose of population health screening. Participant phenotype was not available at the time of variant classification. Additional details can be found in publication PMID: 35346344, PMCID: PMC8962531

GeneDx
Classification: Uncertain significance. Last evaluated: 2024-01-18. Review status: criteria provided, single submitter. Criteria: GeneDx Variant Classification Process June 2021. Collection method: clinical testing. Allele origin: germline. Affected: yes.
Comment: Not observed at significant frequency in large population cohorts (gnomAD); In silico analysis supports that this missense variant does not alter protein structure/function; Has not been previously published as pathogenic or benign to our knowledge